The following is an entry in ClinVar:

NM_001382347.1(MYO5A):c.2420+4G>A

Gene: MYO5A (myosin VA; minus strand). Cytogenetic location: 15q21.2.
Variant type: single nucleotide variant.
Coding change: c.2420+4G>A on transcript NM_001382347.1 (MANE Select); 4 bases into the intron after coding-DNA position 2420, G replaced by A.
Molecular consequence: intron variant.
Genome position (GRCh38, 1-based): chr15:52,376,343, C>T on the plus strand (G>A on the coding strand, the complement: MYO5A is on the minus strand). VCF-style: chr15-52376343-C-T. GRCh37 (hg19) VCF-style: chr15-52668540-C-T.
Other names: c.2420+4G>A (NM_000259.3, NM_001411135.1, NM_001142495.2); c.2492+4G>A (NM_001382349.1, NM_001382348.1).
Identifiers: ClinVar variation 3039146 (VCV003039146.2), dbSNP rs2041412813, ClinGen allele CA2177307193.

ClinVar aggregate classification (germline): Likely benign (0 of 4 stars; one submission).

Conditions:
MYO5A-related disorder. Also called: MYO5A-related condition.

Allele frequency attached by ClinVar (database versions not stated): TOPMed below 0.00001.

Submission:

PreventionGenetics, part of Exact Sciences
Classification: Likely benign for MYO5A-related condition. Last evaluated: 2019-05-28. Review status: no assertion criteria provided. Collection method: clinical testing. Allele origin: germline.
Comment: This variant is classified as likely benign based on ACMG/AMP sequence variant interpretation guidelines (Richards et al. 2015 PMID: 25741868, with internal and published modifications).